The following is an entry in ClinVar:

NM_001348323.3(TRIP12):c.4496C>A (p.Thr1499Lys)

Gene: TRIP12 (thyroid hormone receptor interactor 12; minus strand). Cytogenetic location: 2q36.3.
Variant type: single nucleotide variant.
Coding change: c.4496C>A on transcript NM_001348323.3 (MANE Select); coding-DNA position 4496, C replaced by A.
Protein change: p.Thr1499Lys; replaces threonine 1499 with lysine.
Molecular consequence: missense variant.
Genome position (GRCh38, 1-based): chr2:229,791,171, G>T on the plus strand (C>A on the coding strand, the complement: TRIP12 is on the minus strand). VCF-style: chr2-229791171-G-T. GRCh37 (hg19) VCF-style: chr2-230655887-G-T.
Other names: c.4415C>A, p.Thr1472Lys (NM_001284214.2, NM_001348315.2); c.4370C>A, p.Thr1457Lys (NM_001284215.2, NM_001348316.2); c.3461C>A, p.Thr1154Lys (NM_001284216.2); c.4355C>A, p.Thr1452Lys (NM_001348317.1, NM_001348318.2); c.4481C>A, p.Thr1494Lys (NM_001348319.1, NM_001348320.2); c.4484C>A, p.Thr1495Lys (NM_001348321.1); c.4496C>A, p.Thr1499Lys (NM_001348322.1, NM_001348324.2, NM_001348325.2 and 2 more transcripts); c.4499C>A, p.Thr1500Lys (NM_001348328.1, NM_001348329.2, NM_001348330.2); and 4 more; short protein forms T1154K, T1424K, T1425K, T1452K, T1457K, T1465K, T1472K, T1473K.
Identifiers: ClinVar variation 2503334 (VCV002503334.1), dbSNP rs762153765, ClinGen allele CA350897746.

ClinVar aggregate classification (germline): Uncertain significance (1 of 4 stars; one submission).

gnomAD v4.1: 3 of 1,614,054 alleles (0.00019%); highest among the groups gnomAD compares: South Asian, 0.0011%; no homozygotes.

Submission:

GeneDx
Classification: Uncertain significance. Last evaluated: 2022-11-25. Review status: criteria provided, single submitter. Criteria: GeneDx Variant Classification Process June 2021. Collection method: clinical testing. Allele origin: germline. Affected: yes.
Comment: Not observed at significant frequency in large population cohorts (gnomAD); In silico analysis supports that this missense variant does not alter protein structure/function; Has not been previously published as pathogenic or benign to our knowledge